The following is an entry in ClinVar:

NM_001007.5(RPS4X):c.515T>G (p.Phe172Cys)

Gene: RPS4X (ribosomal protein S4 X-linked; minus strand). Cytogenetic location: Xq13.1.
Variant type: single nucleotide variant.
Coding change: c.515T>G on transcript NM_001007.5 (MANE Select); coding-DNA position 515, T replaced by G.
Protein change: p.Phe172Cys; replaces phenylalanine 172 with cysteine.
Molecular consequence: missense variant.
Genome position (GRCh38, 1-based): chrX:72,273,818, A>C on the plus strand (T>G on the coding strand, the complement: RPS4X is on the minus strand). VCF-style: chrX-72273818-A-C. GRCh37 (hg19) VCF-style: chrX-71493668-A-C.
Other names: short protein forms F172C.
Identifiers: ClinVar variation 5041510 (VCV005041510.1).

ClinVar aggregate classification (germline): Uncertain significance (1 of 4 stars; one submission).

Submission:

CeGaT Center for Human Genetics Tuebingen
Classification: Uncertain significance. Last evaluated: 2026-09-01. Review status: criteria provided, single submitter. Criteria: CeGaT Center For Human Genetics Tuebingen Variant Classification Criteria Version 2. Collection method: clinical testing. Allele origin: germline. Affected: yes. Observed: 1 variant allele.
Comment: RPS4X: PM2, PP3